The following is an entry in ClinVar:

ClinVar aggregate classification (germline): Conflicting classifications of pathogenicity. Review status: criteria provided, conflicting classifications (1 of 4 stars). 9 submissions from 9 submitters: Uncertain significance (3); Benign (6). Last evaluated 2026-02-04.

Conditions:
Fetal anomalies with a likely genetic cause.

Allele frequency attached by ClinVar (database versions not stated): 1000 Genomes Project 30x 0.24329; 1000 Genomes Project 0.25080; ESP Exome Variant Server 0.25135; TOPMed 0.25657; gnomAD 0.26284.

Submissions (9):

Labcorp Genetics (formerly Invitae), Labcorp
Classification: Benign. Last evaluated: 2026-02-04. Review status: criteria provided, single submitter. Criteria: Invitae Variant Classification Sherloc (09022015). Collection method: clinical testing. Allele origin: germline.

Genetics Laboratory, Great Ormond Street Hospital NHS Foundation Trust, North Thames Genomic Laboratory Hub
Classification: Uncertain significance for Fetal anomalies with a likely genetic cause. Last evaluated: 2026-02-03. Review status: criteria provided, single submitter. Criteria: ACGS Best Practice Guidelines for Variant Classification in Rare Disease 2024 v1.2. Collection method: clinical testing. Allele origin: germline. Affected: yes.
Comment: BA1_standalone, BP4_supporting, BP7_supporting

CeGaT Center for Human Genetics Tuebingen
Classification: Uncertain significance. Last evaluated: 2025-12-01. Review status: criteria provided, single submitter. Criteria: CeGaT Center For Human Genetics Tuebingen Variant Classification Criteria Version 2. Collection method: clinical testing. Allele origin: germline. Affected: yes. Observed: 1 variant allele.
Comment: TBX6: PM3, PM2:Supporting

Blueprint Genetics
Classification: Uncertain significance. Last evaluated: 2024-11-27. Review status: criteria provided, single submitter. Criteria: ACMG Guidelines, 2015. Collection method: clinical testing. Allele origin: germline.

Mendelics
Classification: Benign. Last evaluated: 2022-05-04. Review status: criteria provided, single submitter. Criteria: Mendelics Assertion Criteria 2019. Collection method: clinical testing. Allele origin: germline.

GeneDx
Classification: Benign. Last evaluated: 2018-11-12. Review status: criteria provided, single submitter. Criteria: GeneDx Variant Classification Process June 2021. Collection method: clinical testing. Allele origin: germline. Affected: yes.

Eurofins Ntd Llc (ga)
Classification: Benign. Last evaluated: 2016-03-28. Review status: criteria provided, single submitter. Criteria: EGL Classification Definitions 2015. Collection method: clinical testing. Allele origin: germline. Observed: 4 variant alleles, 4 heterozygotes.

Breakthrough Genomics
Classification: Benign. Review status: criteria provided, single submitter. Criteria: ACMG Guidelines, 2015. Collection method: not provided. Allele origin: germline. Inheritance: Autosomal recessive inheritance. Affected: yes.

PreventionGenetics, part of Exact Sciences
Classification: Benign. Review status: criteria provided, single submitter. Criteria: ACMG Guidelines, 2015. Collection method: clinical testing. Allele origin: germline.

NM_004608.4(TBX6):c.1227G>A (p.Pro409=)

Gene: TBX6 (T-box transcription factor 6; minus strand). Cytogenetic location: 16p11.2.
Variant type: single nucleotide variant.
Coding change: c.1227G>A on transcript NM_004608.4 (MANE Select); coding-DNA position 1227, G replaced by A.
Protein change: p.Pro409=; no amino-acid change (proline 409 retained).
Molecular consequence: synonymous variant.
Genome position (GRCh38, 1-based): chr16:30,086,309, C>T on the plus strand (G>A on the coding strand, the complement: TBX6 is on the minus strand). VCF-style: chr16-30086309-C-T. GRCh37 (hg19) VCF-style: chr16-30097630-C-T.
Identifiers: ClinVar variation 259448 (VCV000259448.24), dbSNP rs2289292, ClinGen allele CA8001630.
Genomic context (GRCh38, chr16:30,086,309, plus strand): 5'-ATCCAGATAGCCCCCAGGCGCGGTGTATGGTAGAGGGAAGGGGCCCCCTTGGAGAAAGTG[C>T]GGGGCAAAGGGTACCGCCGGTGGAGCCGCTGGGTACCCGGAGCCCCCTGACCCGTGCGGC-3'
Protein context (NP_004599.2, residues 399-419): PAAPPAVPFA[Pro409=]HFLQGGPFPL